The following is an entry in ClinVar:

NM_001754.5(RUNX1):c.785A>G (p.Gln262Arg)

Gene: RUNX1 (RUNX family transcription factor 1; minus strand). Cytogenetic location: 21q22.12.
Variant type: single nucleotide variant.
Coding change: c.785A>G on transcript NM_001754.5 (MANE Select); coding-DNA position 785, A replaced by G.
Protein change: p.Gln262Arg; replaces glutamine 262 with arginine.
Molecular consequence: missense variant.
Genome position (GRCh38, 1-based): chr21:34,834,430, T>C on the plus strand (A>G on the coding strand, the complement: RUNX1 is on the minus strand). VCF-style: chr21-34834430-T-C. GRCh37 (hg19) VCF-style: chr21-36206727-T-C.
Other names: NM_001754.5(RUNX1):c.785A>G; p.Gln262Arg; c.704A>G, p.Gln235Arg (NM_001001890.3, NM_001122607.2); short protein forms Q262R, Q235R.
Identifiers: ClinVar variation 2145852 (VCV002145852.6), dbSNP rs758593641, ClinGen allele CA10014359.

ClinVar aggregate classification (germline): Uncertain significance. Review status: reviewed by expert panel (3 of 4 stars). 3 submissions from 3 submitters: Uncertain significance (1). 2 of the submissions do not count toward it. Last evaluated 2024-07-11.

Conditions:
Hereditary thrombocytopenia and hematologic cancer predisposition syndrome. Identifiers: Orphanet 71290, MedGen CN281654, MONDO:0011071.
Inborn genetic diseases. Identifiers: MedGen C0950123, MeSH D030342.
Hereditary thrombocytopenia and hematological cancer predisposition syndrome associated with RUNX1. Also called: Familial Platelet Disorder with Propensity to Acute Myelogenous Leukemia; Familial thrombocytopenia with propensity to acute myelogenous leukemia; RUNX1 Familial Platelet Disorder with Associated Myeloid Malignancies; PLATELET DISORDER, ASPIRIN-LIKE. Identifiers: Orphanet 71290, MedGen C1832388, MeSH C563324, MONDO:0100083, OMIM 601399.

Allele frequency attached by ClinVar (database versions not stated): ExAC 0.00001; gnomAD exomes below 0.00001.
gnomAD v4.1: 1 of 1,608,660 alleles (0.000062%); highest among the groups gnomAD compares: South Asian, 0.0011%; no homozygotes.

Submissions (3):

ClinGen Myeloid Malignancy Variant Curation Expert Panel
Classification: Uncertain significance for Hereditary thrombocytopenia and hematologic cancer predisposition syndrome. Last evaluated: 2024-07-11. Review status: reviewed by expert panel. Criteria: ClinGen MyeloMalig ACMG Specifications v2. Collection method: curation. Allele origin: germline. Inheritance: Autosomal dominant inheritance.
Comment: NM_001754.5(RUNX1):c.785A>G (p.Gln262Arg) is a missense variant which has a REVEL score < 0.50 (0.384) and a SpliceAI score ≤ 0.20 (0.02) (BP4). In summary, the clinical significance of this variant is uncertain. ACMG/AMP criteria applied, as specified by the Myeloid Malignancy Variant Curation Expert Panel for RUNX1: BP4.

Ambry Genetics
Classification: Uncertain significance for Inborn genetic diseases. Last evaluated: 2026-06-12. Review status: criteria provided, single submitter. Criteria: Ambry Variant Classification Scheme 2023. Collection method: clinical testing. Allele origin: germline. Not counted in ClinVar's aggregate classification.
Comment: The p.Q262R variant (also known as c.785A>G), located in coding exon 6 of the RUNX1 gene, results from an A to G substitution at nucleotide position 785. The glutamine at codon 262 is replaced by arginine, an amino acid with highly similar properties. This amino acid position is highly conserved in available vertebrate species. In addition, the in silico prediction for this alteration is inconclusive. Based on the available evidence, the clinical significance of this variant remains unclear.

Labcorp Genetics (formerly Invitae), Labcorp
Classification: Uncertain significance for Hereditary thrombocytopenia and hematological cancer predisposition syndrome associated with RUNX1. Last evaluated: 2022-09-14. Review status: criteria provided, single submitter. Criteria: Invitae Variant Classification Sherloc (09022015). Collection method: clinical testing. Allele origin: germline. Not counted in ClinVar's aggregate classification.
Comment: This sequence change replaces glutamine, which is neutral and polar, with arginine, which is basic and polar, at codon 262 of the RUNX1 protein (p.Gln262Arg). This variant is present in population databases (rs758593641, gnomAD 0.003%). This variant has not been reported in the literature in individuals affected with RUNX1-related conditions. Advanced modeling of protein sequence and biophysical properties (such as structural, functional, and spatial information, amino acid conservation, physicochemical variation, residue mobility, and thermodynamic stability) performed at Invitae indicates that this missense variant is not expected to disrupt RUNX1 protein function. In summary, the available evidence is currently insufficient to determine the role of this variant in disease. Therefore, it has been classified as a Variant of Uncertain Significance.